The following is an entry in ClinVar:

NM_022489.4(INF2):c.986-12C>T

Gene: INF2 (inverted formin 2; plus strand). Cytogenetic location: 14q32.33.
Variant type: single nucleotide variant.
Coding change: c.986-12C>T on transcript NM_022489.4 (MANE Select); 12 bases into the intron before coding-DNA position 986, C replaced by T.
Molecular consequence: intron variant.
Genome position (GRCh38, 1-based): chr14:104,707,241, C>T. VCF-style: chr14-104707241-C-T. GRCh37 (hg19) VCF-style: chr14-105173578-C-T.
Other names: c.986-12C>T (NM_001426863.1, NM_001426865.1, NM_001426864.1 and 2 more transcripts).
Identifiers: ClinVar variation 5017321 (VCV005017321.1).

ClinVar aggregate classification (germline): Uncertain significance (1 of 4 stars; one submission).

gnomAD v4.1: 2 of 1,603,970 alleles (0.00012%); highest among the groups gnomAD compares: Non-Finnish European, 0.00017%; no homozygotes.

Submission:

GeneDx
Classification: Uncertain significance. Last evaluated: 2026-03-26. Review status: criteria provided, single submitter. Criteria: GeneDx Variant Classification Process June 2021. Collection method: clinical testing. Allele origin: germline.
Comment: Not observed at significant frequency in large population cohorts (gnomAD); In silico analysis suggests that this variant does not alter splicing; Has not been previously published as pathogenic or benign to our knowledge